The following is an entry in ClinVar:

NM_001354604.2(MITF):c.1433G>T (p.Gly478Val)

Gene: MITF (melanocyte inducing transcription factor; plus strand). Cytogenetic location: 3p13.
Variant type: single nucleotide variant.
Coding change: c.1433G>T on transcript NM_001354604.2 (MANE Select); coding-DNA position 1433, G replaced by T.
Protein change: p.Gly478Val; replaces glycine 478 with valine.
Molecular consequence: missense variant.
Genome position (GRCh38, 1-based): chr3:69,965,100, G>T. VCF-style: chr3-69965100-G-T. GRCh37 (hg19) VCF-style: chr3-70014251-G-T.
Other names: c.1112G>T, p.Gly371Val (NM_000248.4); c.1259G>T, p.Gly420Val (NM_001184967.2, NM_001354608.2); c.1430G>T, p.Gly477Val (NM_001354605.2); c.1412G>T, p.Gly471Val (NM_001354606.2, NM_006722.3); c.1364G>T, p.Gly455Val (NM_001354607.2); c.1094G>T, p.Gly365Val (NM_198158.3); c.1415G>T, p.Gly472Val (NM_198159.3); c.1367G>T, p.Gly456Val (NM_198177.3); and 1 more; short protein forms G309V, G365V, G371V, G420V, G455V, G456V, G471V, G472V.
Identifiers: ClinVar variation 3755254 (VCV003755254.2).

ClinVar aggregate classification (germline): Uncertain significance (1 of 4 stars; one submission).

Conditions:
Tietz syndrome (TADS). Also called: HYPOPIGMENTATION/DEAFNESS OF TIETZ; TIETZ ALBINISM-DEAFNESS SYNDROME; ALBINISM-DEAFNESS OF TIETZ. Identifiers: Orphanet 42665, MedGen C0391816, MONDO:0007077, OMIM 103500.
Waardenburg syndrome type 2A (WS2A). Also called: WAARDENBURG SYNDROME WITHOUT DYSTOPIA CANTHORUM. Identifiers: Orphanet 3440, MedGen C1860339, MONDO:0008671, OMIM 193510.
Melanoma, cutaneous malignant, susceptibility to, 8. Also called: MELANOMA AND RENAL CELL CARCINOMA, SUSCEPTIBILITY TO; Cutaneous malignant melanoma 8. Identifiers: Orphanet 293822, MedGen C3152204, MONDO:0013759, OMIM 614456.

gnomAD v4.1: 1 of 1,614,068 alleles (0.000062%); highest among the groups gnomAD compares: Non-Finnish European, 0.000085%; no homozygotes.

Submission:

Labcorp Genetics (formerly Invitae), Labcorp
Classification: Uncertain significance for Melanoma, cutaneous malignant, susceptibility to, 8; Waardenburg syndrome type 2A; Tietz syndrome. Last evaluated: 2024-03-13. Review status: criteria provided, single submitter. Criteria: Invitae Variant Classification Sherloc (09022015). Collection method: clinical testing. Allele origin: germline.
Comment: This sequence change replaces glycine, which is neutral and non-polar, with valine, which is neutral and non-polar, at codon 371 of the MITF protein (p.Gly371Val). This variant is not present in population databases (gnomAD no frequency). This variant has not been reported in the literature in individuals affected with MITF-related conditions. Advanced modeling of protein sequence and biophysical properties (such as structural, functional, and spatial information, amino acid conservation, physicochemical variation, residue mobility, and thermodynamic stability) has been performed at Invitae for this missense variant, however the output from this modeling did not meet the statistical confidence thresholds required to predict the impact of this variant on MITF protein function. In summary, the available evidence is currently insufficient to determine the role of this variant in disease. Therefore, it has been classified as a Variant of Uncertain Significance.